The following is an entry in ClinVar:

ClinVar aggregate classification (germline): Uncertain significance. Review status: criteria provided, multiple submitters, no conflicts (2 of 4 stars). 6 submissions from 6 submitters: Uncertain significance (6). Last evaluated 2024-04-12.

Conditions:
Inborn genetic diseases. Identifiers: MedGen C0950123, MeSH D030342.
Microcephaly 5, primary, autosomal recessive (MCPH5). Also called: ASPM Primary Microcephaly. Identifiers: Orphanet 2512, MedGen C1837501, MONDO:0012106, OMIM 608716.

Allele frequency attached by ClinVar (database versions not stated): ExAC 0.00001; gnomAD exomes 0.00002 and 0.00004; TOPMed 0.00002; gnomAD 0.00003; ESP Exome Variant Server 0.00008.

Submissions (6):

Ambry Genetics
Classification: Uncertain significance for Inborn genetic diseases. Last evaluated: 2024-04-12. Review status: criteria provided, single submitter. Criteria: Ambry Variant Classification Scheme 2023. Collection method: clinical testing. Allele origin: germline.

Genome-Nilou Lab
Classification: Uncertain significance for Microcephaly 5, primary, autosomal recessive. Last evaluated: 2023-04-11. Review status: criteria provided, single submitter. Criteria: ACMG Guidelines, 2015. Collection method: clinical testing. Allele origin: germline. Affected: no.

Labcorp Genetics (formerly Invitae), Labcorp
Classification: Uncertain significance. Last evaluated: 2022-07-12. Review status: criteria provided, single submitter. Criteria: Invitae Variant Classification Sherloc (09022015). Collection method: clinical testing. Allele origin: germline.
Comment: This variant has not been reported in the literature in individuals affected with ASPM-related conditions. ClinVar contains an entry for this variant (Variation ID: 194872). Algorithms developed to predict the effect of missense changes on protein structure and function are either unavailable or do not agree on the potential impact of this missense change (SIFT: "Deleterious"; PolyPhen-2: "Benign"; Align-GVGD: "Class C0"). In summary, the available evidence is currently insufficient to determine the role of this variant in disease. Therefore, it has been classified as a Variant of Uncertain Significance. This variant is present in population databases (rs369399401, gnomAD 0.003%). This sequence change replaces methionine, which is neutral and non-polar, with valine, which is neutral and non-polar, at codon 1623 of the ASPM protein (p.Met1623Val).

Mayo Clinic Laboratories, Mayo Clinic
Classification: Uncertain significance for Microcephaly 5, primary, autosomal recessive. Last evaluated: 2016-03-31. Review status: criteria provided, single submitter. Criteria: ACMG Guidelines, 2015. Collection method: clinical testing. Allele origin: maternal.

Eurofins Ntd Llc (ga)
Classification: Uncertain significance. Last evaluated: 2014-08-13. Review status: criteria provided, single submitter. Criteria: EGL Classification Definitions 2015. Collection method: clinical testing. Allele origin: germline. Observed: 1 variant allele, 1 heterozygote.

Breakthrough Genomics
Classification: Uncertain significance. Review status: criteria provided, single submitter. Criteria: ACMG Guidelines, 2015. Collection method: not provided. Allele origin: germline. Inheritance: Autosomal recessive inheritance. Affected: yes.

NM_018136.5(ASPM):c.4867A>G (p.Met1623Val)

Gene: ASPM (assembly factor for spindle microtubules; minus strand). Cytogenetic location: 1q31.3.
Variant type: single nucleotide variant.
Coding change: c.4867A>G on transcript NM_018136.5 (MANE Select); coding-DNA position 4867, A replaced by G.
Protein change: p.Met1623Val; replaces methionine 1623 with valine.
Molecular consequence: missense variant. On other transcripts: intron variant (1).
Genome position (GRCh38, 1-based): chr1:197,104,384, T>C on the plus strand (A>G on the coding strand, the complement: ASPM is on the minus strand). VCF-style: chr1-197104384-T-C. GRCh37 (hg19) VCF-style: chr1-197073514-T-C.
Other names: c.4066-8220A>G (NM_001206846.2); short protein forms M1623V.
Identifiers: ClinVar variation 194872 (VCV000194872.16), dbSNP rs369399401, ClinGen allele CA241068.